The following is an entry in ClinVar:

ClinVar aggregate classification (germline): Uncertain significance (1 of 4 stars; one submission).

Conditions:
Cardiovascular phenotype. Identifiers: MedGen CN230736.

gnomAD v4.1: 5 of 1,550,000 alleles (0.00032%); highest among the groups gnomAD compares: South Asian, 0.0059%; no homozygotes.

Submission:

Ambry Genetics
Classification: Uncertain significance for Cardiovascular phenotype. Last evaluated: 2026-05-28. Review status: criteria provided, single submitter. Criteria: Ambry Variant Classification Scheme 2023. Collection method: clinical testing. Allele origin: germline.
Comment: The p.R2308G variant (also known as c.6922C>G), located in coding exon 2 of the ZNF469 gene, results from a C to G substitution at nucleotide position 6922. The arginine at codon 2308 is replaced by glycine, an amino acid with dissimilar properties. This amino acid position is conserved. In addition, this alteration is predicted to be tolerated by in silico analysis. Based on the available evidence, the clinical significance of this variant remains unclear.

NM_001367624.2(ZNF469):c.7006C>G (p.Arg2336Gly)

Gene: ZNF469 (zinc finger protein 469; plus strand). Cytogenetic location: 16q24.2.
Variant type: single nucleotide variant.
Coding change: c.7006C>G on transcript NM_001367624.2 (MANE Select); coding-DNA position 7006, C replaced by G.
Protein change: p.Arg2336Gly; replaces arginine 2336 with glycine.
Molecular consequence: missense variant.
Genome position (GRCh38, 1-based): chr16:88,434,476, C>G. VCF-style: chr16-88434476-C-G. GRCh37 (hg19) VCF-style: chr16-88500884-C-G.
Other names: NM_001127464.1:c.6922C>G; short protein forms R2336G.
Identifiers: ClinVar variation 4867018 (VCV004867018.1).